The following is an entry in ClinVar:

ClinVar aggregate classification (germline): Uncertain significance (1 of 4 stars; one submission).

Conditions:
Hereditary breast ovarian cancer syndrome. Also called: Hereditary breast and ovarian cancer syndrome; Hereditary breast and ovarian cancer syndrome (HBOC); BRCA1- and BRCA2-Associated Hereditary Breast and Ovarian Cancer; Hereditary breast and ovarian cancer; Breast and ovarian cancer; Hereditary breast and/or ovarian cancer syndrome. Identifiers: Orphanet 145, MedGen C0677776, MeSH D061325, MONDO:0003582. Disease mechanism: loss of function.

Submission:

Labcorp Genetics (formerly Invitae), Labcorp
Classification: Uncertain significance for Hereditary breast ovarian cancer syndrome. Last evaluated: 2024-02-14. Review status: criteria provided, single submitter. Criteria: Invitae Variant Classification Sherloc (09022015). Collection method: clinical testing. Allele origin: germline.
Comment: This sequence change replaces proline, which is neutral and non-polar, with threonine, which is neutral and polar, at codon 1502 of the BRCA1 protein (p.Pro1502Thr). This variant is not present in population databases (gnomAD no frequency). This variant has not been reported in the literature in individuals affected with BRCA1-related conditions. Advanced modeling of protein sequence and biophysical properties (such as structural, functional, and spatial information, amino acid conservation, physicochemical variation, residue mobility, and thermodynamic stability) performed at Invitae indicates that this missense variant is not expected to disrupt BRCA1 protein function with a negative predictive value of 95%. In summary, the available evidence is currently insufficient to determine the role of this variant in disease. Therefore, it has been classified as a Variant of Uncertain Significance.

NM_007294.4(BRCA1):c.4504C>A (p.Pro1502Thr)

Gene: BRCA1 (BRCA1 DNA repair associated; minus strand). Cytogenetic location: 17q21.31.
Variant type: single nucleotide variant.
Coding change: c.4504C>A on transcript NM_007294.4 (MANE Select); coding-DNA position 4504, C replaced by A.
Protein change: p.Pro1502Thr; replaces proline 1502 with threonine.
Molecular consequence: missense variant. On other transcripts: intron variant (3).
Genome position (GRCh38, 1-based): chr17:43,074,502, G>T on the plus strand (C>A on the coding strand, the complement: BRCA1 is on the minus strand). VCF-style: chr17-43074502-G-T. GRCh37 (hg19) VCF-style: chr17-41226519-G-T.
Other names: c.1069C>A, p.Pro357Thr (NM_001408440.1, NM_001408441.1, NM_001408442.1 and 10 more transcripts); c.1066C>A, p.Pro356Thr (NM_001408445.1, NM_001408446.1, NM_001408447.1 and 2 more transcripts); c.1054C>A, p.Pro352Thr (NM_001408452.1, NM_001408453.1, NM_001408454.1 and 3 more transcripts); c.1060C>A, p.Pro354Thr (NM_001408451.1); c.1051C>A, p.Pro351Thr (NM_001408458.1, NM_001408465.1, NM_001408460.1 and 7 more transcripts); c.4357C>A, p.Pro1453Thr (NM_001407845.1, NM_001407846.1, NM_001407847.1 and 12 more transcripts); c.4504C>A, p.Pro1502Thr (NM_001407854.1, NM_001407593.1, NM_001407594.1 and 8 more transcripts); c.4501C>A, p.Pro1501Thr (NM_001407858.1, NM_001407859.1, NM_001407860.1 and 17 more transcripts); and 71 more; short protein forms P1333T, P1375T, P1391T, P1413T, P1435T, P1460T, P1482T, P1483T.
Identifiers: ClinVar variation 3634637 (VCV003634637.2).